The following is an entry in ClinVar:

ClinVar aggregate classification (germline): Benign/Likely benign. Review status: criteria provided, multiple submitters, no conflicts (2 of 4 stars). 2 submissions from 2 submitters: Benign (1); Likely benign (1). Last evaluated 2025-08-12.

Conditions:
Hereditary cancer-predisposing syndrome. Also called: Hereditary neoplastic syndrome; Neoplastic Syndromes, Hereditary; Tumor predisposition; Hereditary Cancer Syndrome. Identifiers: Orphanet 140162, MedGen C0027672, MeSH D009386, MONDO:0015356.
Melanoma-pancreatic cancer syndrome. Identifiers: Orphanet 404560, MedGen C1838547, MONDO:0011713, OMIM 606719. Disease mechanism: loss of function.

Submissions (2):

Myriad Genetics, Inc.
Classification: Benign for Melanoma-pancreatic cancer syndrome. Last evaluated: 2025-08-12. Review status: criteria provided, single submitter. Criteria: Myriad Autosomal Dominant, Autosomal Recessive and X-Linked Classification Criteria (2023). Collection method: clinical testing. Allele origin: unknown.
Comment: This variant is considered benign. This variant is a silent/synonymous amino acid change and it is not expected to impact splicing.

Ambry Genetics
Classification: Likely benign for Hereditary cancer-predisposing syndrome. Last evaluated: 2021-11-02. Review status: criteria provided, single submitter. Criteria: Ambry Variant Classification Scheme 2023. Collection method: clinical testing. Allele origin: germline.

NM_058195.4(CDKN2A):c.163C>T (p.Leu55=)

Gene: CDKN2A (cyclin dependent kinase inhibitor 2A; minus strand). Cytogenetic location: 9p21.3.
Variant type: single nucleotide variant.
Coding change: c.163C>T on transcript NM_058195.4 (MANE Plus Clinical); coding-DNA position 163, C replaced by T.
Protein change: p.Leu55=; no amino-acid change (leucine 55 retained).
Molecular consequence: synonymous variant. On other transcripts: intron variant (1).
Genome position (GRCh38, 1-based): chr9:21,994,169, G>A on the plus strand (C>T on the coding strand, the complement: CDKN2A is on the minus strand). VCF-style: chr9-21994169-G-A. GRCh37 (hg19) VCF-style: chr9-21994168-G-A.
Other names: c.-4+652C>T (NM_001363763.2).
Identifiers: ClinVar variation 1777006 (VCV001777006.3), dbSNP rs1820527497, ClinGen allele CA464100270.